The following is an entry in ClinVar:

NM_001032283.3(TMPO):c.565+1273A>G

Gene: TMPO (thymopoietin; plus strand). Cytogenetic location: 12q23.1.
Variant type: single nucleotide variant.
Coding change: c.565+1273A>G on transcript NM_001032283.3 (MANE Select); 1273 bases into the intron after coding-DNA position 565, A replaced by G.
Molecular consequence: intron variant. On other transcripts: missense variant (1).
Genome position (GRCh38, 1-based): chr12:98,533,111, A>G. VCF-style: chr12-98533111-A-G. GRCh37 (hg19) VCF-style: chr12-98926889-A-G.
Other names: c.854A>G, p.Asp285Gly (NM_003276.2); c.565+1273A>G (NM_001307975.2, NM_001032284.3); short protein forms D285G.
Identifiers: ClinVar variation 1400173 (VCV001400173.6), dbSNP rs146158243, ClinGen allele CA6732299.
Genomic context (GRCh38, chr12:98,533,111, plus strand): 5'-GACAGTTGCAGAAGTTAGCCTCTGAAAGGAATTTGTTTATTTCATGCAAGTCTAGCCATG[A>G]TAGGTGTTTAGAGAAAAGTTCTTCGTCATCTTCTCAGCCTGAACACAGTGCCATGTTGGT-3'

ClinVar aggregate classification (germline): Uncertain significance (1 of 4 stars; one submission).

Conditions:
Loeys-Dietz syndrome 2 (LDS2). Also called: TGFBR2-Related Loeys-Dietz Syndrome; Marfan syndrome, type 2 (formerly); AORTIC ANEURYSM, FAMILIAL THORACIC 3; MARFAN SYNDROME, TYPE II; Marfan Syndrome type 2; Marfan like connective tissue disorder. Identifiers: Orphanet 284973, Orphanet 558, MedGen C2674574, MONDO:0012427, OMIM 610168.

Allele frequency attached by ClinVar (database versions not stated): ESP Exome Variant Server 0.00008.
gnomAD v4.1: 1 of 1,614,162 alleles (0.000062%); highest among the groups gnomAD compares: Non-Finnish European, 0.000085%; no homozygotes.

Submission:

Labcorp Genetics (formerly Invitae), Labcorp
Classification: Uncertain significance for Loeys-Dietz syndrome 2. Last evaluated: 2022-03-18. Review status: criteria provided, single submitter. Criteria: Invitae Variant Classification Sherloc (09022015). Collection method: clinical testing. Allele origin: germline.
Comment: This sequence change replaces aspartic acid, which is acidic and polar, with glycine, which is neutral and non-polar, at codon 285 of the TMPO protein (p.Asp285Gly). This variant is present in population databases (rs146158243, gnomAD 0.007%). This variant has not been reported in the literature in individuals affected with TMPO-related conditions. Algorithms developed to predict the effect of missense changes on protein structure and function output the following: SIFT: "Tolerated"; PolyPhen-2: "Benign"; Align-GVGD: "Class C0". The glycine amino acid residue is found in multiple mammalian species, which suggests that this missense change does not adversely affect protein function. Algorithms developed to predict the effect of sequence changes on RNA splicing suggest that this variant may create or strengthen a splice site. In summary, the available evidence is currently insufficient to determine the role of this variant in disease. Therefore, it has been classified as a Variant of Uncertain Significance.